The following continues an entry in ClinVar:

NM_001267550.2(TTN):c.44272C>T (p.Arg14758Ter)

Gene: TTN. ClinVar aggregate classification (germline): Conflicting classifications of pathogenicity. Pathogenic (5); Likely pathogenic (7); Uncertain significance (1).

Submissions 7 to 17 of 17:

CHEO Genetics Diagnostic Laboratory, Children's Hospital of Eastern Ontario
Classification: Pathogenic for Cardiomyopathy. Last evaluated: 2024-11-27. Review status: criteria provided, single submitter. Criteria: ACMG Guidelines, 2015. Collection method: clinical testing. Allele origin: germline. Inheritance: Autosomal dominant inheritance. Study: Canadian Open Genetics Repository.
Comment: The c.39349C>T variant in TTN (NM_001256850.1) leads to premature stop codon at position 13117, which is predicted to lead to a truncated or absent protein. This variant has also been referred to as c.44272C>T, p.R14758X using alternate nomenclature. It was identified in 2/248384 (0.0008%) of alleles tested from control populations in the Genome Aggregation Database (gnomAD), was reported in 0.003% of Admixed American individuals, and is considered to be a rare variant. It has been previously reported in >5 apparently unrelated individuals with dilated, left ventricular non-compaction, atrial fibrillation, peripartum, or unspecified cardiomyopathy (PMID 27532257, 31737537, 33106378, 33996946, 36264615, 30333491, 33874732, ClinVar database, CHEO internal database). This variant is located in the proximal I-band in a highly expressed exon, where Titin truncating variants are very strongly associated with dilated cardiomyopathy (PMID 27625338, 26439713, 25589632). This variant is listed in ClinVar (VCV000202367). Based on the above information, we categorize this variant as pathogenic.

Blueprint Genetics
Classification: Pathogenic for TTN-related disorders. Last evaluated: 2024-11-20. Review status: criteria provided, single submitter. Criteria: ACMG Guidelines, 2015. Collection method: clinical testing. Allele origin: germline. Affected: yes. Observed: 5 variant alleles.

Molecular Diagnostic Laboratory for Inherited Cardiovascular Disease, Montreal Heart Institute
Classification: Pathogenic for Cardiovascular phenotype. Last evaluated: 2024-07-04. Review status: criteria provided, single submitter. Criteria: ACMG Guidelines, 2015. Collection method: clinical testing. Allele origin: germline. Affected: yes.
Comment: PVS1, PS4_mod, PM2, PP5

Illumina Laboratory Services, Illumina
Classification: Likely pathogenic for Dilated cardiomyopathy 1G. Last evaluated: 2023-06-30. Review status: criteria provided, single submitter. Criteria: ICSLVariantClassificationCriteria RUGD 01 April 2020. Collection method: clinical testing. Allele origin: unknown.
Comment: The TTN c.44272C>T (p.Arg14758Ter) is a nonsense variant, located in exon 239 of the meta transcript of titin within the I-band, which is highly expressed in cardiac tissue (PMID:25589632). In a meta-analysis of TTN truncating variants in DCM patients and controls, variants in this region were associated with a significantly increased risk of developing DCM (odds ratio 19.5) (PMID:27869827). The p.Arg14758Ter variant has been reported in the literature in one patient with dilated cardiomyopathy (PMID:27532257). This variant is reported in the Genome Aggregation Database in three alleles at a frequency of 0.000026 in the Total population (version 3.1.2). Based on the available evidence the c.44272C>T (p.Arg14758Ter) variant is classified as likely pathogenic for dilated cardiomyopathy.

MVZ Martinsried, Medicover Genetics
Classification: Likely pathogenic for Dilated cardiomyopathy 1G. Last evaluated: 2016-11-16. Review status: criteria provided, single submitter. Criteria: ACMG Guidelines, 2015. Collection method: clinical testing. Allele origin: unknown. Affected: yes.

Laboratory for Molecular Medicine, Mass General Brigham Personalized Medicine
Classification: Likely pathogenic for Primary dilated cardiomyopathy. Last evaluated: 2016-06-03. Review status: criteria provided, single submitter. Criteria: LMM Criteria. Collection method: clinical testing. Allele origin: germline. Observed: 3 variant alleles.
Comment: This va riant has also been identified in 1/67564 European chromosomes by the Exome Aggr egation Consortium (ExAC; dbSNP rs140743001). Th is nonsense variant leads to a premature termination codon at position 12190, wh ich is predicted to lead to a truncated or absent protein. Nonsense and other tr uncating variants in TTN are strongly associated with DCM if they are located in the exons encoding for the A-band (Herman 2012, Pugh 2014) and/or are located i n an exon that is highly expressed in the heart (Roberts 2015). The p.Arg12190X variant is located in I-band in the highly expressed exon 188. In summary, alth ough additional studies are required to fully establish its clinical significanc e, the p.Arg12190X variant is likely pathogenic.

Eurofins Ntd Llc (ga)
Classification: Uncertain significance. Last evaluated: 2016-02-12. Review status: criteria provided, single submitter. Criteria: EGL Classification Definitions 2015. Collection method: clinical testing. Allele origin: germline. Observed: 1 variant allele, 1 heterozygote.

Cardiogenetics and Myogenetics Molecular and Cellular Functional Unit, Aphp Sorbonne University-Hopital Pitie Salpetriere
Classification: Likely pathogenic for Dilated cardiomyopathy 1G. Last evaluated: 2024-01-06. Review status: no assertion criteria provided. Collection method: clinical testing. Allele origin: germline. Affected: yes. Not counted in ClinVar's aggregate classification.

Diagnostic Laboratory, Department of Genetics, University Medical Center Groningen
Classification: Likely pathogenic. Review status: no assertion criteria provided. Collection method: clinical testing. Allele origin: germline. Affected: yes. Study: VKGL Data-share Consensus. Not counted in ClinVar's aggregate classification.

Genome Diagnostics Laboratory, University Medical Center Utrecht
Classification: Likely pathogenic. Review status: no assertion criteria provided. Collection method: clinical testing. Allele origin: germline. Affected: yes. Study: VKGL Data-share Consensus. Not counted in ClinVar's aggregate classification.

Genetic Services Laboratory, University of Chicago
Classification: Uncertain significance. Last evaluated: 2020-05-06. Review status: flagged submission. Criteria: ACMG Guidelines, 2015. Collection method: clinical testing. Allele origin: germline. Affected: no. Not counted in ClinVar's aggregate classification.
Comment: The c.36568C>T sequence change results in the creation of a premature stop codon at amino acid position 12190, p.Arg12190*. This sequence change is predicted to result in an abnormal transcript, which may be degraded, or may lead to the production of a truncated TTN protein with potentially abnormal function. This variant is present in 2 individuals in gnomAD with an overall population frequency of 0.008% (rs140743001). This variant has also been reported in an individual with dilated cardiomyopathy (PMID: 27532257). This variant is present in ClinVar and has been classified as either a variant of unknown significance or likely pathogenic by several clinical laboratories (Variation ID: 202367). The Arg12190* variant is located in one of the constitutive exons in the distal I-band region. Truncating variants in this region have been reported in individuals with autosomal recessive centronuclear myopathy (PMID: 23975875) however truncating TTN variants have been reported in approximately 3% of control alleles (PMIDs: 22335739, 26701604). Due to these contrasting evidences, the clinical significance of the p.Arg12190* change remains unknown at this time.
ClinVar note: Reason: Outlier claim with insufficient supporting evidence

Literature cited by the submitters: PubMed 27532257 (cited by 3 submitters); PubMed 30333491 (cited by Ambry Genetics); PubMed 33106378 (cited by Ambry Genetics and Women's Health and Genetics/Laboratory Corporation of America, LabCorp); PubMed 33500567 (cited by Ambry Genetics and Labcorp Genetics (formerly Invitae), Labcorp); PubMed 33874732 (cited by 3 submitters); PubMed 31737537 (cited by Labcorp Genetics (formerly Invitae), Labcorp); PubMed 25589632 (cited by Labcorp Genetics (formerly Invitae), Labcorp and Illumina Laboratory Services, Illumina); PubMed 23975875 (cited by Labcorp Genetics (formerly Invitae), Labcorp); PubMed 27869827 (cited by Labcorp Genetics (formerly Invitae), Labcorp and Illumina Laboratory Services, Illumina); PubMed 32964742 (cited by Labcorp Genetics (formerly Invitae), Labcorp); PubMed 33996946 (cited by Women's Health and Genetics/Laboratory Corporation of America, LabCorp); PubMed 22335739 (cited by Laboratory for Molecular Medicine, Mass General Brigham Personalized Medicine); PubMed 24503780 (cited by Laboratory for Molecular Medicine, Mass General Brigham Personalized Medicine).